The following is an entry in ClinVar:

NM_001267550.2(TTN):c.96873T>C (p.Thr32291=)

Genes: TTN-AS1 (TTN antisense RNA 1; plus strand), TTN (titin; minus strand), LOC126806421 (CDK7 strongly-dependent group 2 enhancer GRCh37_chr2:179407630-179408829; plus strand). Cytogenetic location: 2q31.2.
Variant type: single nucleotide variant.
Coding change: c.96873T>C on transcript NM_001267550.2 (MANE Select); coding-DNA position 96873, T replaced by C.
Protein change: p.Thr32291=; no amino-acid change (threonine 32291 retained).
Molecular consequence: synonymous variant.
Genome position (GRCh38, 1-based): chr2:178,543,100, A>G on the plus strand (T>C on the coding strand, the complement: TTN is on the minus strand). VCF-style: chr2-178543100-A-G. GRCh37 (hg19) VCF-style: chr2-179407827-A-G.
Other names: c.91950T>C, p.Thr30650= (NM_001256850.1); c.69678T>C, p.Thr23226= (NM_003319.4); c.89169T>C, p.Thr29723= (NM_133378.4); c.70053T>C, p.Thr23351= (NM_133432.3); c.70254T>C, p.Thr23418= (NM_133437.4).
Identifiers: ClinVar variation 697691 (VCV000697691.18), dbSNP rs368169892, ClinGen allele CA1986704.
Genomic context (GRCh38, chr2:178,543,100, plus strand): 5'-TTTTTTTTTTTTGGCTATTTGGTACATACCTCTGAGGTCTTGTACAGTCACGGCTGTGAC[A>G]GTCTCTCTTGGTTCTGACACACCTTTCTCATTTTGTGCCCTTATTCTAAATAAGTATTGT-3'
Protein context (NP_001254479.2, residues 32281-32301): NEKGVSEPRE[Thr32291=]VTAVTVQDLR

ClinVar aggregate classification (germline): Likely benign. Review status: criteria provided, multiple submitters, no conflicts (2 of 4 stars). 4 submissions from 4 submitters: Likely benign (3). 1 of the submissions does not count toward it. Last evaluated 2026-01-26.

Conditions:
TTN-related disorder. Also called: TTN-related condition; TTN-related disease; TTN-related disorders.
Dilated cardiomyopathy 1G (CMD1G). Identifiers: Orphanet 154, MedGen C1858763, MONDO:0011400, OMIM 604145.
Autosomal recessive limb-girdle muscular dystrophy type 2J (LGMDR10). Also called: MUSCULAR DYSTROPHY, LIMB-GIRDLE, AUTOSOMAL RECESSIVE 10; Limb-girdle muscular dystrophy, type 2J. Identifiers: Orphanet 140922, MedGen C1837342, MONDO:0012127, OMIM 608807.
Cardiovascular phenotype. Identifiers: MedGen CN230736.

Allele frequency attached by ClinVar (database versions not stated): gnomAD exomes 0.00001 and 0.00003; ExAC 0.00003; gnomAD 0.00005 and 0.00007; ESP Exome Variant Server 0.00008; TOPMed 0.00012.
gnomAD v4.1: 16 of 1,603,084 alleles (0.001%); highest among the groups gnomAD compares: African/African-American, 0.016%; no homozygotes.

Submissions (4):

Labcorp Genetics (formerly Invitae), Labcorp
Classification: Likely benign for Dilated cardiomyopathy 1G; Autosomal recessive limb-girdle muscular dystrophy type 2J. Last evaluated: 2026-01-26. Review status: criteria provided, single submitter. Criteria: Invitae Variant Classification Sherloc (09022015). Collection method: clinical testing. Allele origin: germline.

Ambry Genetics
Classification: Likely benign for Cardiovascular phenotype. Last evaluated: 2021-03-23. Review status: criteria provided, single submitter. Criteria: Ambry Variant Classification Scheme 2023. Collection method: clinical testing. Allele origin: germline.

GeneDx
Classification: Likely benign. Last evaluated: 2019-03-12. Review status: criteria provided, single submitter. Criteria: GeneDx Variant Classification Process June 2021. Collection method: clinical testing. Allele origin: germline. Affected: yes.

PreventionGenetics, part of Exact Sciences
Classification: Likely benign for TTN-related condition. Last evaluated: 2021-04-01. Review status: no assertion criteria provided. Collection method: clinical testing. Allele origin: germline. Not counted in ClinVar's aggregate classification.
Comment: This variant is classified as likely benign based on ACMG/AMP sequence variant interpretation guidelines (Richards et al. 2015 PMID: 25741868, with internal and published modifications).